The following is an entry in ClinVar:

ClinVar aggregate classification (germline): Benign/Likely benign. Review status: criteria provided, multiple submitters, no conflicts (2 of 4 stars). 5 submissions from 3 submitters: Benign (2); Likely benign (3). Last evaluated 2021-05-13.

Conditions:
Mastocytosis. Also called: Mast Cell Disease. Identifiers: Orphanet 98292, MedGen C0024899, MONDO:0007950, HP:0100495.
Gastrointestinal stromal tumor. Also called: Gastrointestinal stromal tumor, somatic; Gastrointestinal stroma tumor. Identifiers: Orphanet 44890, MedGen C0238198, MeSH D046152, MONDO:0011719, OMIM 606764, HP:0100723.
Piebaldism. Also called: Piebald skin depigmentation. Identifiers: Orphanet 2884, MedGen C0080024, MONDO:0008244, OMIM 172800, HP:0007544.

Allele frequency attached by ClinVar (database versions not stated): TOPMed 0.00248; gnomAD 0.00319 and 0.00375; 1000 Genomes Project 30x 0.00562; gnomAD exomes 0.00592; 1000 Genomes Project 0.00619.
gnomAD v4.1: 3,149 of 592,344 alleles (0.53%); highest among the groups gnomAD compares: Middle Eastern, 2.3%; 30 homozygotes.

Submissions (5):

GeneDx
Classification: Likely benign. Last evaluated: 2021-05-13. Review status: criteria provided, single submitter. Criteria: GeneDx Variant Classification Process June 2021. Collection method: clinical testing. Allele origin: germline. Affected: yes.

Illumina Laboratory Services, Illumina
Classification: Benign for Cutaneous mastocytosis. Last evaluated: 2018-01-13. Review status: criteria provided, single submitter. Criteria: ICSL Variant Classification Criteria 13 December 2019. Collection method: clinical testing. Allele origin: germline.
Comment: This variant was observed in the ICSL laboratory as part of a predisposition screen in an ostensibly healthy population. It had not been previously curated by ICSL or reported in the Human Gene Mutation Database (HGMD: prior to June 1st, 2018), and was therefore a candidate for classification through an automated scoring system. Utilizing variant allele frequency, disease prevalence and penetrance estimates, and inheritance mode, an automated score was calculated to assess if this variant is too frequent to cause the disease. Based on the score and internal cut-off values, a variant classified as benign is not then subjected to further curation. The score for this variant resulted in a classification of benign for this disease.

Illumina Laboratory Services, Illumina
Classification: Benign for Gastrointestinal stromal tumor. Last evaluated: 2018-01-13. Review status: criteria provided, single submitter. Criteria: ICSL Variant Classification Criteria 13 December 2019. Collection method: clinical testing. Allele origin: germline.
Comment: the same text as in the submission from Illumina Laboratory Services, Illumina above.

Illumina Laboratory Services, Illumina
Classification: Likely benign for Piebaldism. Last evaluated: 2018-01-13. Review status: criteria provided, single submitter. Criteria: ICSL Variant Classification Criteria 13 December 2019. Collection method: clinical testing. Allele origin: germline.
Comment: This variant was observed in the ICSL laboratory as part of a predisposition screen in an ostensibly healthy population. It had not been previously curated by ICSL or reported in the Human Gene Mutation Database (HGMD: prior to June 1st, 2018), and was therefore a candidate for classification through an automated scoring system. Utilizing variant allele frequency, disease prevalence and penetrance estimates, and inheritance mode, an automated score was calculated to assess if this variant is too frequent to cause the disease. Based on the score and internal cut-off values, a variant classified as likely benign is not then subjected to further curation. The score for this variant resulted in a classification of likely benign for this disease.

Breakthrough Genomics
Classification: Likely benign. Review status: criteria provided, single submitter. Criteria: ACMG Guidelines, 2015. Collection method: not provided. Allele origin: germline. Inheritance: Autosomal dominant inheritance. Affected: yes.

NM_000222.3(KIT):c.*352A>G

Gene: KIT (KIT proto-oncogene, receptor tyrosine kinase; plus strand). Cytogenetic location: 4q12.
Variant type: single nucleotide variant.
Coding change: c.*352A>G on transcript NM_000222.3 (MANE Select); 352 bases downstream of the stop codon, A replaced by G.
Molecular consequence: 3 prime UTR variant.
Genome position (GRCh38, 1-based): chr4:54,738,909, A>G. VCF-style: chr4-54738909-A-G. GRCh37 (hg19) VCF-style: chr4-55605075-A-G.
Other names: c.*352A>G (NM_001093772.2, NM_001385284.1, NM_001385285.1 and 4 more transcripts).
Identifiers: ClinVar variation 348961 (VCV000348961.7), dbSNP rs149336515, ClinGen allele CA10618858.